The following is an entry in ClinVar:

ClinVar aggregate classification (germline): Uncertain significance. Review status: criteria provided, multiple submitters, no conflicts (2 of 4 stars). 2 submissions from 2 submitters: Uncertain significance (2). Last evaluated 2024-10-07.

Conditions:
Inborn genetic diseases. Identifiers: MedGen C0950123, MeSH D030342.

gnomAD v4.1: 2 of 1,210,869 alleles (0.00017%); highest among the groups gnomAD compares: African/African-American, 0.0035%; no homozygotes.

Submissions (2):

GeneDx
Classification: Uncertain significance. Last evaluated: 2024-10-07. Review status: criteria provided, single submitter. Criteria: GeneDx Variant Classification Process June 2021. Collection method: clinical testing. Allele origin: germline. Affected: yes.
Comment: Not observed at significant frequency in large population cohorts (gnomAD); In silico analysis indicates that this missense variant does not alter protein structure/function; Has not been previously published as pathogenic or benign to our knowledge; This variant is associated with the following publications: (PMID: 27535533)

Ambry Genetics
Classification: Uncertain significance for Inborn genetic diseases. Last evaluated: 2020-07-07. Review status: criteria provided, single submitter. Criteria: Ambry Variant Classification Scheme 2023. Collection method: clinical testing. Allele origin: germline.
Comment: The alteration results in an amino acid change:_x000D_ _x000D_ The c.1582C>T (p.L528F) alteration is located in coding exon 3 of the PTCHD1 gene. This alteration results from a C to T substitution at nucleotide position 1582, causing the Leucine (L) at amino acid position 528 to be replaced by a phenylalanine (F). The alteration is not observed in population databases: _x000D_ _x000D_ Based on data from the Genome Aggregation Database (gnomAD), the PTCHD1 c.1582C>T alteration was not observed, with coverage at this position. The altered amino acid is conserved throughout evolution:_x000D_ _x000D_ The p.L528 amino acid is conserved in available vertebrate species. The alteration is predicted tolerated by in silico modeling:_x000D_ _x000D_ The p.L528F alteration is predicted to be tolerated by in silico analysis. Based on insufficient or conflicting evidence, the clinical significance of this alteration remains unclear.

NM_173495.3(PTCHD1):c.1582C>T (p.Leu528Phe)

Gene: PTCHD1 (patched domain containing 1; plus strand). Cytogenetic location: Xp22.11.
Variant type: single nucleotide variant.
Coding change: c.1582C>T on transcript NM_173495.3 (MANE Select); coding-DNA position 1582, C replaced by T.
Protein change: p.Leu528Phe; replaces leucine 528 with phenylalanine.
Molecular consequence: missense variant.
Genome position (GRCh38, 1-based): chrX:23,393,100, C>T. VCF-style: chrX-23393100-C-T. GRCh37 (hg19) VCF-style: chrX-23411217-C-T.
Other names: short protein forms L528F.
Identifiers: ClinVar variation 521532 (VCV000521532.8), dbSNP rs992351585, ClinGen allele CA327634970.